The following is an entry in ClinVar:

ClinVar aggregate classification (germline): Uncertain significance (1 of 4 stars; one submission).

Conditions:
Singleton-Merten syndrome 1 (SGMRT1). Also called: Widened medullary cavities of bone, aortic calcification, abnormal dentition, and muscular weakness; Syndrome of widened medullary cavities of the metacarpals and phalanges, aortic calcification and abnormal dentition. Identifiers: Orphanet 85191, MedGen C4225427, MONDO:0024535, OMIM 182250.
Aicardi-Goutieres syndrome 7 (AGS7). Identifiers: Orphanet 51, MedGen C3888244, MONDO:0014367, OMIM 615846.

Allele frequency attached by ClinVar (database versions not stated): gnomAD exomes below 0.00001 and 0.00001; TOPMed below 0.00001; ExAC 0.00001.
gnomAD v4.1: 4 of 1,611,782 alleles (0.00025%); highest among the groups gnomAD compares: Non-Finnish European, 0.00034%; no homozygotes.

Submission:

Labcorp Genetics (formerly Invitae), Labcorp
Classification: Uncertain significance for Aicardi-Goutieres syndrome 7; Singleton-Merten syndrome 1. Last evaluated: 2021-08-28. Review status: criteria provided, single submitter. Criteria: Invitae Variant Classification Sherloc (09022015). Collection method: clinical testing. Allele origin: germline.
Comment: In summary, the available evidence is currently insufficient to determine the role of this variant in disease. Therefore, it has been classified as a Variant of Uncertain Significance. Algorithms developed to predict the effect of missense changes on protein structure and function (SIFT, PolyPhen-2, Align-GVGD) all suggest that this variant is likely to be tolerated. This variant has not been reported in the literature in individuals affected with IFIH1-related conditions. This variant is present in population databases (rs769101700, ExAC 0.01%). This sequence change replaces cysteine with arginine at codon 407 of the IFIH1 protein (p.Cys407Arg). The cysteine residue is weakly conserved and there is a large physicochemical difference between cysteine and arginine.

NM_022168.4(IFIH1):c.1219T>C (p.Cys407Arg)

Gene: IFIH1 (interferon induced with helicase C domain 1; minus strand). Cytogenetic location: 2q24.2.
Variant type: single nucleotide variant.
Coding change: c.1219T>C on transcript NM_022168.4 (MANE Select); coding-DNA position 1219, T replaced by C.
Protein change: p.Cys407Arg; replaces cysteine 407 with arginine.
Molecular consequence: missense variant.
Genome position (GRCh38, 1-based): chr2:162,282,453, A>G on the plus strand (T>C on the coding strand, the complement: IFIH1 is on the minus strand). VCF-style: chr2-162282453-A-G. GRCh37 (hg19) VCF-style: chr2-163138963-A-G.
Other names: short protein forms C407R.
Identifiers: ClinVar variation 1515879 (VCV001515879.6), dbSNP rs769101700, ClinGen allele CA1934590.